The following is an entry in ClinVar:

ClinVar aggregate classification (germline): Likely benign. Review status: criteria provided, multiple submitters, no conflicts (2 of 4 stars). 2 submissions from 2 submitters: Likely benign (2). Last evaluated 2025-04-14.

Conditions:
PCSK1-related disorder. Also called: PCSK1-related condition.

Allele frequency attached by ClinVar (database versions not stated): gnomAD 0.00001; TOPMed 0.00001; gnomAD exomes 0.00002; ExAC 0.00003.
gnomAD v4.1: 7 of 1,612,348 alleles (0.00043%); highest among the groups gnomAD compares: Middle Eastern, 0.016%; no homozygotes.

Submissions (2):

PreventionGenetics, part of Exact Sciences
Classification: Likely benign for PCSK1-related condition. Last evaluated: 2025-04-14. Review status: criteria provided, single submitter. Criteria: ACMG Guidelines, 2015. Collection method: clinical testing. Allele origin: germline.
Comment: This variant is classified as likely benign based on ACMG/AMP sequence variant interpretation guidelines (Richards et al. 2015 PMID: 25741868, with internal and published modifications).

Labcorp Genetics (formerly Invitae), Labcorp
Classification: Likely benign. Last evaluated: 2021-11-23. Review status: criteria provided, single submitter. Criteria: Invitae Variant Classification Sherloc (09022015). Collection method: clinical testing. Allele origin: germline.

NM_000439.5(PCSK1):c.1722+7G>A

Genes: CAST (calpastatin; plus strand), PCSK1 (proprotein convertase subtilisin/kexin type 1; minus strand), LOC101929710 (uncharacterized LOC101929710; plus strand). Cytogenetic location: 5q15.
Variant type: single nucleotide variant.
Coding change: c.1722+7G>A on transcript NM_000439.5 (MANE Select); 7 bases into the intron after coding-DNA position 1722, G replaced by A.
Molecular consequence: intron variant.
Genome position (GRCh38, 1-based): chr5:96,397,329, C>T on the plus strand (G>A on the coding strand, the complement: PCSK1 is on the minus strand). VCF-style: chr5-96397329-C-T. GRCh37 (hg19) VCF-style: chr5-95733033-C-T.
Other names: c.1581+7G>A (NM_001177875.2); c.1722+7G>A (NM_000439.4).
Identifiers: ClinVar variation 1535129 (VCV001535129.9), dbSNP rs527967413, ClinGen allele CA3350162.
Genomic context (GRCh38, chr5:96,397,329, plus strand): 5'-ACCTTAAAAGTGCTTCAAAATGTTTAAAAGTAAGCTTGTGTTTTTTCATCCTCTCATTCA[C>T]ACTTACCATGTCTGTAATTCTCAAAGTCCAAGTACCTATAGGGTTCTCTCCCCATGTGTG-3'